The following is an entry in ClinVar:

ClinVar aggregate classification (germline): Uncertain significance (1 of 4 stars; one submission).

Conditions:
Primary ciliary dyskinesia. Also called: Ciliary dyskinesia. Identifiers: Orphanet 244, MedGen C0008780, MONDO:0016575, HP:0012265.

Allele frequency attached by ClinVar (database versions not stated): gnomAD 0.00001; gnomAD exomes 0.00001; TOPMed 0.00001; ExAC 0.00002.
gnomAD v4.1: 12 of 1,609,428 alleles (0.00075%); highest among the groups gnomAD compares: South Asian, 0.0044%; no homozygotes.

Submissions (2):

Labcorp Genetics (formerly Invitae), Labcorp
Classification: Uncertain significance for Primary ciliary dyskinesia. Last evaluated: 2022-01-21. Review status: criteria provided, single submitter. Criteria: Invitae Variant Classification Sherloc (09022015). Collection method: clinical testing. Allele origin: germline.
Comment: This sequence change replaces threonine, which is neutral and polar, with isoleucine, which is neutral and non-polar, at codon 2280 of the DNAH5 protein (p.Thr2280Ile). This variant is present in population databases (rs763904116, gnomAD 0.006%). This variant has not been reported in the literature in individuals affected with DNAH5-related conditions. Algorithms developed to predict the effect of missense changes on protein structure and function are either unavailable or do not agree on the potential impact of this missense change (SIFT: "Deleterious"; PolyPhen-2: "Possibly Damaging"; Align-GVGD: "Class C0"). In summary, the available evidence is currently insufficient to determine the role of this variant in disease. Therefore, it has been classified as a Variant of Uncertain Significance.

Dr. Peter K. Rogan Lab, Western University
No classification provided (evidence only). Condition: Familial cancer of breast. Review status: no classification provided. Collection method: in vitro. Allele origin: not applicable. Functional consequence: retained intron. Not counted in ClinVar's aggregate classification.

NM_001369.3(DNAH5):c.6839C>T (p.Thr2280Ile)

Gene: DNAH5 (dynein axonemal heavy chain 5; minus strand). Cytogenetic location: 5p15.2.
Variant type: single nucleotide variant.
Coding change: c.6839C>T on transcript NM_001369.3 (MANE Select); coding-DNA position 6839, C replaced by T.
Protein change: p.Thr2280Ile; replaces threonine 2280 with isoleucine.
Molecular consequence: missense variant.
Genome position (GRCh38, 1-based): chr5:13,820,348, G>A on the plus strand (C>T on the coding strand, the complement: DNAH5 is on the minus strand). VCF-style: chr5-13820348-G-A. GRCh37 (hg19) VCF-style: chr5-13820457-G-A.
Other names: short protein forms T2280I.
Identifiers: ClinVar variation 2049505 (VCV002049505.2), dbSNP rs763904116, ClinGen allele CA3203272.
Genomic context (GRCh38, chr5:13,820,348, plus strand): 5'-AATGGGTCACCACTACTTAAATGGGCCACCCCAGGCATTGACCTTGGCTGCCCTGTACCT[G>A]TCATGGCTCTCATCAAGGTGTGGATGCAGGTGGTCTTCCCAGCCCCACTGGGCCCCAGAG-3'
Protein context (NP_001360.1, residues 2270-2290): TCIHTLMRAM[Thr2280Ile]DCGKPHREMR